The following is an entry in ClinVar:

ClinVar aggregate classification (germline): Benign (1 of 4 stars; one submission).

Conditions:
Multicentric osteolysis nodulosis arthropathy spectrum. Identifiers: Orphanet 3460, Orphanet 371428, MedGen C1850155, MONDO:0018298.

Allele frequency attached by ClinVar (database versions not stated): gnomAD exomes 0.00573; 1000 Genomes Project 0.00938; 1000 Genomes Project 30x 0.00968; gnomAD 0.00977 and 0.01001; TOPMed 0.00993.
gnomAD v4.1: 4,305 of 644,358 alleles (0.67%); highest among the groups gnomAD compares: African/African-American, 2.2%; 51 homozygotes.

Submission:

Illumina Laboratory Services, Illumina
Classification: Benign for Multicentric osteolysis, nodulosis, and arthropathy. Last evaluated: 2018-01-13. Review status: criteria provided, single submitter. Criteria: ICSL Variant Classification Criteria 13 December 2019. Collection method: clinical testing. Allele origin: germline.
Comment: This variant was observed in the ICSL laboratory as part of a predisposition screen in an ostensibly healthy population. It had not been previously curated by ICSL or reported in the Human Gene Mutation Database (HGMD: prior to June 1st, 2018), and was therefore a candidate for classification through an automated scoring system. Utilizing variant allele frequency, disease prevalence and penetrance estimates, and inheritance mode, an automated score was calculated to assess if this variant is too frequent to cause the disease. Based on the score and internal cut-off values, a variant classified as benign is not then subjected to further curation. The score for this variant resulted in a classification of benign for this disease.

NM_004530.6(MMP2):c.*183A>G

Gene: MMP2 (matrix metallopeptidase 2; plus strand). Cytogenetic location: 16q12.2.
Variant type: single nucleotide variant.
Coding change: c.*183A>G on transcript NM_004530.6 (MANE Select); 183 bases downstream of the stop codon, A replaced by G.
Molecular consequence: 3 prime UTR variant.
Genome position (GRCh38, 1-based): chr16:55,505,625, A>G. VCF-style: chr16-55505625-A-G. GRCh37 (hg19) VCF-style: chr16-55539537-A-G.
Other names: c.*183A>G (NM_001127891.3, NM_001302508.1, NM_001302509.2 and 1 more transcripts).
Identifiers: ClinVar variation 888371 (VCV000888371.4), dbSNP rs111371964, ClinGen allele CA281401924.